The following is an entry in ClinVar:

ClinVar aggregate classification (germline): Uncertain significance (1 of 4 stars; one submission).

Conditions:
Developmental and epileptic encephalopathy, 2 (DEE2). Also called: INFANTILE SPASM SYNDROME, X-LINKED 2; CDKL5 deficiency disorder. Identifiers: Orphanet 1934, Orphanet 3451, Orphanet 505652, MedGen C4750718, MONDO:0010396, OMIM 300672.
Angelman syndrome-like. Identifiers: MedGen CN128785.

Allele frequency attached by ClinVar (database versions not stated): TOPMed 0.00001; gnomAD exomes 0.00001; ExAC 0.00002.
gnomAD v4.1: 10 of 1,210,751 alleles (0.00083%); highest among the groups gnomAD compares: East Asian, 0.003%; no homozygotes.

Submission:

Labcorp Genetics (formerly Invitae), Labcorp
Classification: Uncertain significance for Developmental and epileptic encephalopathy, 2; Angelman syndrome-like. Last evaluated: 2022-10-17. Review status: criteria provided, single submitter. Criteria: Invitae Variant Classification Sherloc (09022015). Collection method: clinical testing. Allele origin: germline.
Comment: In summary, the available evidence is currently insufficient to determine the role of this variant in disease. Therefore, it has been classified as a Variant of Uncertain Significance. Advanced modeling of protein sequence and biophysical properties (such as structural, functional, and spatial information, amino acid conservation, physicochemical variation, residue mobility, and thermodynamic stability) performed at Invitae indicates that this missense variant is not expected to disrupt CDKL5 protein function. ClinVar contains an entry for this variant (Variation ID: 1467315). This variant has not been reported in the literature in individuals affected with CDKL5-related conditions. This variant is present in population databases (rs760568446, gnomAD 0.003%). This sequence change replaces arginine, which is basic and polar, with glutamine, which is neutral and polar, at codon 981 of the CDKL5 protein (p.Arg981Gln).

NC_000023.11:g.18650554G>A

Genes: CDKL5 (cyclin dependent kinase like 5; plus strand), RS1 (retinoschisin 1; minus strand). Cytogenetic location: Xp22.13.
Variant type: single nucleotide variant.
Molecular consequence: intron variant (on NM_000330.4). On other transcripts: missense variant (2).
Genome position: GRCh38 VCF-style: chrX-18650554-G-A. GRCh37 (hg19) VCF-style: chrX-18668674-G-A.
Other names: c.2942G>A, p.Arg981Gln (NM_001037343.2, NM_003159.3); c.185-3222C>T (NM_000330.4); short protein forms R981Q.
Identifiers: ClinVar variation 1467315 (VCV001467315.7), dbSNP rs760568446, ClinGen allele CA10360750.